The following is an entry in ClinVar:

NM_001042492.3(NF1):c.4_5delinsTT (p.Ala2Phe)

Genes: MIR4733HG (MIR4733 host gene; minus strand), NF1 (neurofibromin 1; plus strand), LOC111811965 (NF1 (neurofibromin 1) promoter region; plus strand). Cytogenetic location: 17q11.2.
Variant type: Indel.
Coding change: c.4_5delinsTT on transcript NM_001042492.3 (MANE Select); coding-DNA positions 4 to 5, GC replaced by TT.
Protein change: p.Ala2Phe; replaces alanine 2 with phenylalanine.
Molecular consequence: missense variant. On other transcripts: non-coding transcript variant (1).
Genome position (GRCh38, 1-based): chr17:31,095,313-31,095,314, GC replaced by TT. VCF-style: chr17-31095313-GC-TT. GRCh37 (hg19) VCF-style: chr17-29422331-GC-TT.
Other names: c.4_5delGCinsTT (NM_000267.3); c.4_5delGCinsTT, p.Ala2Phe (NM_000267.4); c.4_5delinsTT, p.Ala2Phe (NM_001128147.3); short protein forms A2F.
Identifiers: ClinVar variation 480205 (VCV000480205.14), dbSNP rs1555594471, ClinGen allele CA658658569.
Genomic context (GRCh38, chr17:31,095,313, plus strand): 5'-CCGGCCCAGGGCGCCGGCCCACCCTTCCCTCCGCCGCCCCCCGGCCGCGGGGAGGACATG[GC>TT]CGCGCACAGGCCGGTGGAATGGGTCCAGGCCGTGGTCAGCCGCTTCGACGAGCAGGTAAC-3'
Protein context (NP_001035957.1, residues 1-12): M[Ala2Phe]AHRPVEWVQA

ClinVar aggregate classification (germline): Uncertain significance. Review status: criteria provided, multiple submitters, no conflicts (2 of 4 stars). 5 submissions from 5 submitters: Uncertain significance (5). Last evaluated 2025-12-04.

Conditions:
Cardiovascular phenotype. Identifiers: MedGen CN230736.
Hereditary cancer-predisposing syndrome. Also called: Hereditary neoplastic syndrome; Neoplastic Syndromes, Hereditary; Tumor predisposition; Hereditary Cancer Syndrome. Identifiers: Orphanet 140162, MedGen C0027672, MeSH D009386, MONDO:0015356.
Juvenile myelomonocytic leukemia (JMML). Also called: LEUKEMIA, JUVENILE MYELOMONOCYTIC, SOMATIC. Identifiers: Orphanet 86834, MedGen C0349639, MONDO:0011908, OMIM 607785, HP:0012209.
Neurofibromatosis, type 1 (NF1). Also called: VON RECKLINGHAUSEN DISEASE; Peripheral type neurofibromatosis; NEUROFIBROMATOSIS, TYPE I, SOMATIC; Neurofibromatosis, type I. Identifiers: Orphanet 636, MedGen C0027831, MONDO:0018975, OMIM 162200. Disease mechanism: loss of function.

Submissions (5):

Ambry Genetics
Classification: Uncertain significance for Cardiovascular phenotype; Hereditary cancer-predisposing syndrome. Last evaluated: 2025-12-04. Review status: criteria provided, single submitter. Criteria: Ambry Variant Classification Scheme 2023. Collection method: clinical testing. Allele origin: germline.
Comment: The c.4_5delGCinsTT variant (also known as p.A2F), located in coding exon 1 of the NF1 gene, results from an in-frame deletion of GC and insertion of TT at nucleotide positions 4 to 5. This results in the substitution of the alanine residue for a phenylalanine residue at codon 2, an amino acid with dissimilar properties. This amino acid position is well conserved on limited sequence alignment. In addition, the in silico prediction for this alteration is inconclusive (Choi Y et al. PLoS ONE. 2012; 7(10):e46688). Based on the available evidence, the clinical significance of this alteration remains unclear.

Labcorp Genetics (formerly Invitae), Labcorp
Classification: Uncertain significance for Neurofibromatosis, type 1. Last evaluated: 2025-04-08. Review status: criteria provided, single submitter. Criteria: Invitae Variant Classification Sherloc (09022015). Collection method: clinical testing. Allele origin: germline.
Comment: This sequence change replaces alanine, which is neutral and non-polar, with phenylalanine, which is neutral and non-polar, at codon 2 of the NF1 protein (p.Ala2Phe). Information on the frequency of this variant in the gnomAD database is not available, as this variant may be reported differently in the database. This variant has not been reported in the literature in individuals affected with NF1-related conditions. ClinVar contains an entry for this variant (Variation ID: 480205). An algorithm developed to predict the effect of missense changes on protein structure and function (PolyPhen-2) suggests that this variant is likely to be tolerated. In summary, the available evidence is currently insufficient to determine the role of this variant in disease. Therefore, it has been classified as a Variant of Uncertain Significance.

Baylor Genetics
Classification: Uncertain significance for Juvenile myelomonocytic leukemia. Last evaluated: 2023-12-29. Review status: criteria provided, single submitter. Criteria: ACMG Guidelines, 2015. Collection method: clinical testing. Allele origin: unknown.

GeneDx
Classification: Uncertain significance. Last evaluated: 2023-08-07. Review status: criteria provided, single submitter. Criteria: GeneDx Variant Classification Process June 2021. Collection method: clinical testing. Allele origin: germline. Affected: yes.
Comment: Not observed at significant frequency in large population cohorts (gnomAD); In silico analysis supports a deleterious effect on protein structure/function; Has not been previously published as pathogenic or benign to our knowledge

Genome-Nilou Lab
Classification: Uncertain significance for Neurofibromatosis, type 1. Last evaluated: 2022-03-15. Review status: criteria provided, single submitter. Criteria: ACMG Guidelines, 2015. Collection method: clinical testing. Allele origin: germline. Affected: no.